The following is an entry in ClinVar:

NM_015047.3(EMC1):c.1633C>T (p.Leu545Phe)

Genes: EMC1 (ER membrane protein complex subunit 1; minus strand), EMC1-AS1 (EMC1 antisense RNA 1; plus strand). Cytogenetic location: 1p36.13.
Variant type: single nucleotide variant.
Coding change: c.1633C>T on transcript NM_015047.3 (MANE Select); coding-DNA position 1633, C replaced by T.
Protein change: p.Leu545Phe; replaces leucine 545 with phenylalanine.
Molecular consequence: missense variant.
Genome position (GRCh38, 1-based): chr1:19,232,773, G>A on the plus strand (C>T on the coding strand, the complement: EMC1 is on the minus strand). VCF-style: chr1-19232773-G-A. GRCh37 (hg19) VCF-style: chr1-19559267-G-A.
Other names: c.1630C>T, p.Leu544Phe (NM_001271427.2, NM_001271428.2); c.1567C>T, p.Leu523Phe (NM_001271429.2); c.1642C>T, p.Leu548Phe (NM_001375820.1); c.1639C>T, p.Leu547Phe (NM_001375821.1); short protein forms L523F, L544F, L545F, L547F, L548F.
Identifiers: ClinVar variation 842337 (VCV000842337.10), dbSNP rs572169151, ClinGen allele CA18815949.

ClinVar aggregate classification (germline): Uncertain significance (1 of 4 stars; one submission).

Allele frequency attached by ClinVar (database versions not stated): gnomAD exomes below 0.00001; gnomAD 0.00001; 1000 Genomes Project 30x 0.00016; 1000 Genomes Project 0.00020.
gnomAD v4.1: 2 of 1,614,060 alleles (0.00012%); highest among the groups gnomAD compares: East Asian, 0.0022%; no homozygotes.

Submission:

Labcorp Genetics (formerly Invitae), Labcorp
Classification: Uncertain significance. Last evaluated: 2023-08-09. Review status: criteria provided, single submitter. Criteria: Invitae Variant Classification Sherloc (09022015). Collection method: clinical testing. Allele origin: germline.
Comment: This sequence change replaces leucine, which is neutral and non-polar, with phenylalanine, which is neutral and non-polar, at codon 545 of the EMC1 protein (p.Leu545Phe). This variant is not present in population databases (gnomAD no frequency). This variant has not been reported in the literature in individuals affected with EMC1-related conditions. ClinVar contains an entry for this variant (Variation ID: 842337). An algorithm developed to predict the effect of missense changes on protein structure and function (PolyPhen-2) suggests that this variant is likely to be disruptive. In summary, the available evidence is currently insufficient to determine the role of this variant in disease. Therefore, it has been classified as a Variant of Uncertain Significance.